The following is an entry in ClinVar:

NM_001382567.1(STIM1):c.757C>T (p.Arg253Ter)

Gene: STIM1 (stromal interaction molecule 1; plus strand). Cytogenetic location: 11p15.4.
Variant type: single nucleotide variant.
Coding change: c.757C>T on transcript NM_001382567.1 (MANE Select); coding-DNA position 757, C replaced by T.
Protein change: p.Arg253Ter; replaces arginine 253 with a stop codon.
Molecular consequence: nonsense. On other transcripts: non-coding transcript variant (2).
Genome position (GRCh38, 1-based): chr11:4,070,169, C>T. VCF-style: chr11-4070169-C-T. GRCh37 (hg19) VCF-style: chr11-4091399-C-T.
Other names: c.757C>T, p.Arg253Ter (NM_001277961.3, NM_001277962.2, NM_001382568.1 and 2 more transcripts); c.535C>T, p.Arg179Ter (NM_001382566.1, NM_001382573.1, NM_001382574.1 and 5 more transcripts); c.622C>T, p.Arg208Ter (NM_001382569.1); c.529C>T, p.Arg177Ter (NM_001382570.1); c.277C>T, p.Arg93Ter (NM_001382571.1); c.268C>T, p.Arg90Ter (NM_001382580.1, NM_001382581.1); short protein forms R177*, R179*, R208*, R253*, R90*, R93*.
Identifiers: ClinVar variation 3752806 (VCV003752806.2).
Genomic context (GRCh38, chr11:4,070,169, plus strand): 5'-CAGAACCGTTACTCCAAGGAGCACATGAAGAAGATGATGAAGGACTTGGAGGGGTTACAC[C>T]GAGCTGAGCAGAGTCTGCATGACCTTCAGGAAAGGTAAGGCCTGCCCCTTCAGGAAAGGT-3'

ClinVar aggregate classification (germline): Pathogenic (1 of 4 stars; one submission).

Conditions:
Stormorken syndrome (STRMK). Also called: THROMBOCYTOPATHY, ASPLENIA, AND MIOSIS. Identifiers: Orphanet 3204, MedGen C1861451, MONDO:0008497, OMIM 185070.
Combined immunodeficiency due to STIM1 deficiency. Also called: IMMUNODEFICIENCY 10; STIM1 DEFICIENCY. Identifiers: Orphanet 169090, Orphanet 317430, MedGen C2748557, MONDO:0013008, OMIM 612783.
Myopathy with tubular aggregates (TAM). Also called: Tubular Aggregate Myopathy. Identifiers: Orphanet 2593, MedGen C0410207, MONDO:0008051.

Submission:

Labcorp Genetics (formerly Invitae), Labcorp
Classification: Pathogenic for Myopathy with tubular aggregates; Combined immunodeficiency due to STIM1 deficiency; Stormorken syndrome. Last evaluated: 2025-04-07. Review status: criteria provided, single submitter. Criteria: Invitae Variant Classification Sherloc (09022015). Collection method: clinical testing. Allele origin: germline.
Comment: This sequence change creates a premature translational stop signal (p.Arg253*) in the STIM1 gene. It is expected to result in an absent or disrupted protein product. Loss-of-function variants in STIM1 are known to be pathogenic (PMID: 19420366, 20876309). This variant is not present in population databases (gnomAD no frequency). This variant has not been reported in the literature in individuals affected with STIM1-related conditions. ClinVar contains an entry for this variant (Variation ID: 3752806). For these reasons, this variant has been classified as Pathogenic.

Literature cited by the submitters: PubMed 19420366; PubMed 20876309.